The following is an entry in ClinVar:

NM_004984.4(KIF5A):c.566C>T (p.Ser189Leu)

Gene: KIF5A (kinesin family member 5A; plus strand). Cytogenetic location: 12q13.3.
Variant type: single nucleotide variant.
Coding change: c.566C>T on transcript NM_004984.4 (MANE Select); coding-DNA position 566, C replaced by T.
Protein change: p.Ser189Leu; replaces serine 189 with leucine.
Molecular consequence: missense variant.
Genome position (GRCh38, 1-based): chr12:57,567,190, C>T. VCF-style: chr12-57567190-C-T. GRCh37 (hg19) VCF-style: chr12-57960973-C-T.
Other names: c.299C>T, p.Ser100Leu (NM_001354705.2); short protein forms S189L, S100L.
Identifiers: ClinVar variation 309935 (VCV000309935.12), dbSNP rs140144799, ClinGen allele CA6652627.

ClinVar aggregate classification (germline): Likely benign. Review status: criteria provided, multiple submitters, no conflicts (2 of 4 stars). 3 submissions from 3 submitters: Likely benign (3). Last evaluated 2025-08-17.

Conditions:
Spastic paraplegia. Identifiers: MedGen C0037772, HP:0001258.
Hereditary spastic paraplegia 10 (SPG10). Also called: SPASTIC PARAPLEGIA 10 WITH OR WITHOUT PERIPHERAL NEUROPATHY; SPASTIC PARAPLEGIA 10 WITH PERIPHERAL NEUROPATHY; SPASTIC PARAPLEGIA 10, AUTOSOMAL DOMINANT. Identifiers: Orphanet 100991, MedGen C1858712, MONDO:0011408, OMIM 604187.

Allele frequency attached by ClinVar (database versions not stated): TOPMed 0.00002; gnomAD 0.00004; gnomAD exomes 0.00006; ExAC 0.00007; ESP Exome Variant Server 0.00008.
gnomAD v4.1: 116 of 1,613,002 alleles (0.0072%); highest among the groups gnomAD compares: Admixed American, 0.013%; 1 homozygote.

Submissions (3):

Labcorp Genetics (formerly Invitae), Labcorp
Classification: Likely benign for Spastic paraplegia. Last evaluated: 2025-08-17. Review status: criteria provided, single submitter. Criteria: Invitae Variant Classification Sherloc (09022015). Collection method: clinical testing. Allele origin: germline.

Blueprint Genetics
Classification: Likely benign. Last evaluated: 2024-10-07. Review status: criteria provided, single submitter. Criteria: ACMG Guidelines, 2015. Collection method: clinical testing. Allele origin: germline.

Illumina Laboratory Services, Illumina
Classification: Likely benign for Hereditary spastic paraplegia 10. Last evaluated: 2018-01-12. Review status: criteria provided, single submitter. Criteria: ICSL Variant Classification Criteria 13 December 2019. Collection method: clinical testing. Allele origin: germline.
Comment: This variant was observed in the ICSL laboratory as part of a predisposition screen in an ostensibly healthy population. It had not been previously curated by ICSL or reported in the Human Gene Mutation Database (HGMD: prior to June 1st, 2018), and was therefore a candidate for classification through an automated scoring system. Utilizing variant allele frequency, disease prevalence and penetrance estimates, and inheritance mode, an automated score was calculated to assess if this variant is too frequent to cause the disease. Based on the score and internal cut-off values, a variant classified as likely benign is not then subjected to further curation. The score for this variant resulted in a classification of likely benign for this disease.